The following is an entry in ClinVar:

NM_001282659.2(USP47):c.3583+5T>A

Gene: USP47 (ubiquitin specific peptidase 47; plus strand). Cytogenetic location: 11p15.3.
Variant type: single nucleotide variant.
Coding change: c.3583+5T>A on transcript NM_001282659.2 (MANE Select); 5 bases into the intron after coding-DNA position 3583, T replaced by A.
Molecular consequence: intron variant.
Genome position (GRCh38, 1-based): chr11:11,950,487, T>A. VCF-style: chr11-11950487-T-A. GRCh37 (hg19) VCF-style: chr11-11972034-T-A.
Other names: c.3562+5T>A (NM_001372095.1); c.3565+5T>A (NM_001372093.1, NM_001372094.1); c.3343+5T>A (NM_001372100.1, NM_001372103.1); c.3643+5T>A (NM_001330208.2, NM_001372096.1); c.3580+5T>A (NM_001372091.1); c.3451+5T>A (NM_001372097.1); c.3571+5T>A (NM_001372092.1); c.3433+5T>A (NM_001372098.1); and 3 more.
Identifiers: ClinVar variation 2641608 (VCV002641608.24), dbSNP rs61751346, ClinGen allele CA5888503.

ClinVar aggregate classification (germline): Likely benign (1 of 4 stars; one submission).

Allele frequency attached by ClinVar (database versions not stated): 1000 Genomes Project 30x 0.00297; 1000 Genomes Project 0.00300; TOPMed 0.00509; ESP Exome Variant Server 0.00583; gnomAD 0.00702; ExAC 0.00737; gnomAD exomes 0.00776.
gnomAD v4.1: 12,054 of 1,575,304 alleles (0.77%); highest among the groups gnomAD compares: Non-Finnish European, 0.79%; 82 homozygotes.

Submission:

CeGaT Center for Human Genetics Tuebingen
Classification: Likely benign. Last evaluated: 2022-05-01. Review status: criteria provided, single submitter. Criteria: CeGaT Center For Human Genetics Tuebingen Variant Classification Criteria Version 2. Collection method: clinical testing. Allele origin: germline. Affected: yes. Observed: 1 variant allele.
Comment: USP47: BP4, BS2